The following is an entry in ClinVar:

ClinVar aggregate classification (germline): Uncertain significance (1 of 4 stars; one submission).

Conditions:
Inborn genetic diseases. Identifiers: MedGen C0950123, MeSH D030342.

Submission:

Ambry Genetics
Classification: Uncertain significance for Inborn genetic diseases. Last evaluated: 2025-10-27. Review status: criteria provided, single submitter. Criteria: Ambry Variant Classification Scheme 2023. Collection method: clinical testing. Allele origin: germline.
Comment: The p.G674V variant (also known as c.2021G>T), located in coding exon 8 of the MECOM gene, results from a G to T substitution at nucleotide position 2021. The glycine at codon 674 is replaced by valine, an amino acid with dissimilar properties. This amino acid position is conserved. In addition, the in silico prediction for this alteration is inconclusive. Based on the available evidence, the clinical significance of this variant remains unclear.

NM_004991.4(MECOM):c.2021G>T (p.Gly674Val)

Gene: MECOM (MDS1 and EVI1 complex locus; minus strand). Cytogenetic location: 3q26.2.
Variant type: single nucleotide variant.
Coding change: c.2021G>T on transcript NM_004991.4 (MANE Select); coding-DNA position 2021, G replaced by T.
Protein change: p.Gly674Val; replaces glycine 674 with valine.
Molecular consequence: missense variant. On other transcripts: intron variant (2).
Genome position (GRCh38, 1-based): chr3:169,115,851, C>A on the plus strand (G>T on the coding strand, the complement: MECOM is on the minus strand). VCF-style: chr3-169115851-C-A. GRCh37 (hg19) VCF-style: chr3-168833639-C-A.
Other names: c.1652G>T, p.Gly551Val (NM_001105077.4); c.1457G>T, p.Gly486Val (NM_001105078.4, NM_001164000.2, NM_001205194.2 and 4 more transcripts); c.1460G>T, p.Gly487Val (NM_001163999.2, NM_001366467.2, NM_001366468.2 and 1 more transcripts); c.2021G>T, p.Gly674Val (NM_001366466.2); c.1133-84G>T (NM_001366473.2); c.569-84G>T (NM_001366474.2); short protein forms G486V, G551V, G674V, G487V.
Identifiers: ClinVar variation 4624669 (VCV004624669.1).